The following is an entry in ClinVar:

ClinVar aggregate classification (germline): Conflicting classifications of pathogenicity. Review status: criteria provided, conflicting classifications (1 of 4 stars). 17 submissions from 17 submitters: Uncertain significance (9); Likely benign (6). 2 of the submissions do not count toward it. Last evaluated 2026-05-18.

Conditions:
Hereditary nonpolyposis colorectal neoplasms. Identifiers: MedGen C0009405, MeSH D003123.
MSH6-related disorder. Also called: MSH6-related condition; MSH6-Related disorders.
Breast and/or ovarian cancer. Identifiers: MedGen CN221562.
Hereditary cancer-predisposing syndrome. Also called: Hereditary neoplastic syndrome; Neoplastic Syndromes, Hereditary; Tumor predisposition; Hereditary Cancer Syndrome. Identifiers: Orphanet 140162, MedGen C0027672, MeSH D009386, MONDO:0015356.
Lynch syndrome. Identifiers: Orphanet 144, MedGen C4552100, MONDO:0005835. Disease mechanism: loss of function.
Lynch syndrome 5 (LYNCH5). Also called: Colorectal cancer, hereditary nonpolyposis, type 5; Hereditary non-polyposis colorectal cancer, type 5. Identifiers: Orphanet 144, MedGen C1833477, MONDO:0013710, OMIM 614350. Disease mechanism: loss of function.
Malignant tumor of breast. Also called: Malignant breast neoplasm; Cancer breast. Identifiers: MedGen C0006142, MONDO:0007254. Disease mechanism: loss of function.

Allele frequency attached by ClinVar (database versions not stated): TOPMed 0.00012; 1000 Genomes Project 30x 0.00031; 1000 Genomes Project 0.00040.
gnomAD v4.1: 218 of 1,614,120 alleles (0.014%); highest among the groups gnomAD compares: Non-Finnish European, 0.017%; no homozygotes.

Submissions 1 to 11 of 17:

Women's Health and Genetics/Laboratory Corporation of America, LabCorp
Classification: Likely benign. Last evaluated: 2026-05-18. Review status: criteria provided, single submitter. Criteria: LabCorp Variant Classification Summary - May 2015. Collection method: clinical testing. Allele origin: germline.
Comment: Variant summary: MSH6 c.3259C>G (p.Pro1087Ala) results in a non-conservative amino acid change located in the DNA mismatch repair protein MutS, core domain (IPR007696) of the encoded protein sequence. Algorithms developed to predict the effect of missense changes on protein structure and function are either unavailable or do not agree on the potential impact of this missense change. The variant allele was found at a frequency of 0.00014 in 1614120 control chromosomes, predominantly at a frequency of 0.00017 within the African or African-American subpopulation in the gnomAD database. The observed variant frequency within African or African-American control individuals in the gnomAD database exceeds the estimated maximal expected allele frequency for disease-causing variants in MSH6. c.3259C>G has been observed in individual(s) affected with various types of cancers including colorectal, ovarian, breast and endometrial cancer (e.g. Pal_2012, Chubb_2015, Yehia_2018, Li_2020, Dorling_2021, Guan_2025) but it was also reported in controls (e.g. Mizukami_2020, Dorling_2021). . These report(s) do not provide unequivocal conclusions about association of the variant with disease. To our knowledge, no experimental evidence demonstrating an impact on protein function has been reported. The following publications have been ascertained in the context of this evaluation (PMID: 25559809, 33471991, 40405108, 31391288, 26689913, 32980694, 23047549, 30122538, 29684080, 40813536). ClinVar contains an entry for this variant (Variation ID: 135841). Based on the evidence outlined above, the variant was classified as likely benign.

Labcorp Genetics (formerly Invitae), Labcorp
Classification: Likely benign for Hereditary nonpolyposis colorectal neoplasms. Last evaluated: 2026-02-02. Review status: criteria provided, single submitter. Criteria: Invitae Variant Classification Sherloc (09022015). Collection method: clinical testing. Allele origin: germline.

Color Diagnostics, LLC DBA Color Health
Classification: Uncertain significance for Hereditary cancer-predisposing syndrome. Last evaluated: 2025-12-10. Review status: criteria provided, single submitter. Criteria: ACMG Guidelines, 2015. Collection method: clinical testing. Allele origin: germline.
Comment: This missense variant replaces proline with alanine at codon 1087 of the MSH6 protein. Computational prediction is inconclusive regarding the impact of this variant on protein structure and function. To our knowledge, functional studies have not been reported for this variant. This variant has been reported in individuals affected with colorectal, breast, and uterine cancers (PMID: 25559809, 29684080, 32885271, 34326862, 33471991, 35449176). This variant has been identified in 218/1614120 chromosomes in the general population by the Genome Aggregation Database (gnomAD). The available evidence is insufficient to determine the role of this variant in disease conclusively. Therefore, this variant is classified as a Variant of Uncertain Significance.

Hema, HEMA – Genetic and Molecular Diagnostic Laboratory
Classification: Uncertain significance for Lynch syndrome. Last evaluated: 2025-10-01. Review status: criteria provided, single submitter. Criteria: HEMA Variant Classification Assertion Criteria. Collection method: clinical testing. Allele origin: germline.
Comment: It is a transversion from cytosine to guanine, resulting in the substitution of proline 1087 of the MSH6 protein with alanine. The frequency of the variant in the gnomAD v4.1.0 database is not sufficiently low to apply PM2_Supporting, nor is it sufficiently high to apply BS1. The prior probability of pathogenicity score MAPP/PP2 is not informative, thus not allowing the application of PP3 or BP4. In the absence of further evidence, this variant is classified as a variant of uncertain significance.

PreventionGenetics, part of Exact Sciences
Classification: Likely benign for MSH6-related condition. Last evaluated: 2025-09-23. Review status: criteria provided, single submitter. Criteria: ACMG Guidelines, 2015. Collection method: clinical testing. Allele origin: germline.
Comment: This variant is classified as likely benign based on ACMG/AMP sequence variant interpretation guidelines (Richards et al. 2015 PMID: 25741868, with internal and published modifications).

Myriad Genetics, Inc.
Classification: Likely benign for Lynch syndrome 5. Last evaluated: 2025-01-06. Review status: criteria provided, single submitter. Criteria: Myriad Autosomal Dominant, Autosomal Recessive and X-Linked Classification Criteria (2023). Collection method: clinical testing. Allele origin: unknown.
Comment: This variant is considered likely benign. This variant is strongly associated with less severe personal and family histories of cancer, typical for individuals without pathogenic variants in this gene [PMID: 27363726].

St. Jude Molecular Pathology, St. Jude Children's Research Hospital
Classification: Uncertain significance for Lynch syndrome 5. Last evaluated: 2024-12-12. Review status: criteria provided, single submitter. Criteria: St. Jude Assertion Criteria 2020. Collection method: clinical testing. Allele origin: germline.
Comment: The MSH6 c.3259C>G (p.Pro1087Ala) missense change has a maximum subpopulation frequency of 0.01% in gnomAD v2.1.1. The in silico tool REVEL is inconclusive about a pathogenic or benign effect of this variant on protein function, and to our knowledge functional studies have not been performed. This variant has been reported in an individual with colorectal cancer (PMID: 25559809). In summary, the evidence currently available is insufficient to determine the clinical significance of this variant. It has therefore been classified as of uncertain significance.

GeneDx
Classification: Uncertain significance. Last evaluated: 2024-12-09. Review status: criteria provided, single submitter. Criteria: GeneDx Variant Classification Process June 2021. Collection method: clinical testing. Allele origin: germline. Affected: yes.
Comment: In silico analysis supports that this missense variant has a deleterious effect on protein structure/function; Observed in individuals with colorectal, endometrial, ovarian, or breast cancer (PMID: 23047549, 25559809, 29684080, 26689913, 33471991, 34326862, 35449176); This variant is associated with the following publications: (PMID: 26689913, 23047549, 25559809, 29684080, 31391288, 32980694, 25637381, 30122538, 33471991, 34326862, 35449176, 17531815, 21120944, 37937776, 36243179)

Quest Diagnostics Nichols Institute San Juan Capistrano
Classification: Uncertain significance. Last evaluated: 2024-09-20. Review status: criteria provided, single submitter. Criteria: Quest Diagnostics criteria. Collection method: clinical testing. Allele origin: unknown.
Comment: The MSH6 c.3259C>G (p.Pro1087Ala) variant has been described in the published literature in individuals with different types of cancers including colorectal (PMIDs: 25559809 (2015) and 31391288 (2020)), ovarian (PMID: 23047549 (2012)), breast (PMIDs: 26689913 (2015), 29684080 (2018), 33471991 (2021), 34326862 (2021), 35449176 (2022), see also LOVD), and endometrial/uterine cancer (PMIDs: 26689913 (2015) and 29684080 (2018)) as well as in reportedly healthy individuals (PMIDs: 32980694 (2020), 32885271 (2021), 33471991 (2021), 36243179 (2022), see also LOVD). The frequency of this variant in the general population, 0.00012 (3/24972 chromosomes (Genome Aggregation Database)), is uninformative in the assessment of its pathogenicity. Analysis of this variant using bioinformatics tools for the prediction of the effect of amino acid changes on protein structure and function yielded conflicting predictions that this variant is deleterious or benign. Based on the available information, we are unable to determine the clinical significance of this variant.

Hereditary Cancer Laboratory, Hospital Universitario 12 de Octubre
Classification: Uncertain significance for Hereditary cancer-predisposing syndrome. Last evaluated: 2024-09-12. Review status: criteria provided, single submitter. Criteria: ACMG Guidelines, 2015. Collection method: clinical testing. Allele origin: germline.
Comment: PM2 + BP4

CHEO Genetics Diagnostic Laboratory, Children's Hospital of Eastern Ontario
Classification: Uncertain significance for Breast and/or ovarian cancer. Last evaluated: 2022-11-15. Review status: criteria provided, single submitter. Criteria: ACMG Guidelines, 2015. Collection method: clinical testing. Allele origin: germline.

NM_000179.3(MSH6):c.3259C>G (p.Pro1087Ala)

Gene: MSH6 (mutS homolog 6; plus strand). Cytogenetic location: 2p16.3.
Variant type: single nucleotide variant.
Coding change: c.3259C>G on transcript NM_000179.3 (MANE Select); coding-DNA position 3259, C replaced by G.
Protein change: p.Pro1087Ala; replaces proline 1087 with alanine.
Molecular consequence: missense variant.
Genome position (GRCh38, 1-based): chr2:47,803,506, C>G. VCF-style: chr2-47803506-C-G. GRCh37 (hg19) VCF-style: chr2-48030645-C-G.
Other names: p.P1087A:CCC>GCC; c.2869C>G, p.Pro957Ala (NM_001281492.2); c.2353C>G, p.Pro785Ala (NM_001281493.2, NM_001281494.2); short protein forms P1087A, P785A, P957A.
Identifiers: ClinVar variation 135841 (VCV000135841.74), dbSNP rs63750998, ClinGen allele CA012231.